The following is an entry in ClinVar:

ClinVar aggregate classification (germline): Uncertain significance (1 of 4 stars; one submission).

Conditions:
Charcot-Marie-Tooth disease type 4. Also called: Charcot-Marie-Tooth disease, type IV; Charcot-Marie-Tooth, Type 4. Identifiers: Orphanet 64749, MedGen C4082197, MONDO:0018995.

Allele frequency attached by ClinVar (database versions not stated): TOPMed below 0.00001.

Submission:

Labcorp Genetics (formerly Invitae), Labcorp
Classification: Uncertain significance for Charcot-Marie-Tooth disease type 4. Last evaluated: 2024-11-04. Review status: criteria provided, single submitter. Criteria: Invitae Variant Classification Sherloc (09022015). Collection method: clinical testing. Allele origin: germline.
Comment: This sequence change replaces histidine, which is basic and polar, with glutamine, which is neutral and polar, at codon 252 of the FIG4 protein (p.His252Gln). This variant is not present in population databases (gnomAD no frequency). This variant has not been reported in the literature in individuals affected with FIG4-related conditions. ClinVar contains an entry for this variant (Variation ID: 2418400). An algorithm developed to predict the effect of missense changes on protein structure and function (PolyPhen-2) suggests that this variant is likely to be disruptive. In summary, the available evidence is currently insufficient to determine the role of this variant in disease. Therefore, it has been classified as a Variant of Uncertain Significance.

NM_014845.6(FIG4):c.756T>G (p.His252Gln)

Gene: FIG4 (FIG4 phosphoinositide 5-phosphatase; plus strand). Cytogenetic location: 6q21.
Variant type: single nucleotide variant.
Coding change: c.756T>G on transcript NM_014845.6 (MANE Select); coding-DNA position 756, T replaced by G.
Protein change: p.His252Gln; replaces histidine 252 with glutamine.
Molecular consequence: missense variant.
Genome position (GRCh38, 1-based): chr6:109,738,434, T>G. VCF-style: chr6-109738434-T-G. GRCh37 (hg19) VCF-style: chr6-110059637-T-G.
Other names: short protein forms H252Q.
Identifiers: ClinVar variation 2418400 (VCV002418400.5), dbSNP rs1776226840, ClinGen allele CA365220735.